The following is an entry in ClinVar:

NM_001127511.3(APC):c.-102C>T

Gene: APC (APC regulator of Wnt signaling pathway; plus strand). Cytogenetic location: 5q22.2.
Variant type: single nucleotide variant.
Coding change: c.-102C>T on transcript NM_001127511.3; 102 bases upstream of the start codon, C replaced by T.
Molecular consequence: 5 prime UTR variant. On other transcripts: non-coding transcript variant (2).
Genome position (GRCh38, 1-based): chr5:112,707,616, C>T. VCF-style: chr5-112707616-C-T. GRCh37 (hg19) VCF-style: chr5-112043313-C-T.
Other names: c.-285C>T (NM_001354895.2, NM_001407447.1, NM_001407452.1 and 3 more transcripts); c.-102C>T (NM_001354897.2, NM_001354902.2, NM_001407446.1); c.-52C>T (NM_001407448.1, NM_001407450.1, NM_001407457.1 and 1 more transcripts); c.-76C>T (NM_001407453.1); c.-1320C>T (NM_001407470.1, NM_001407472.1).
Identifiers: ClinVar variation 1056300 (VCV001056300.9), dbSNP rs2149629810, ClinGen allele CA650199388.

ClinVar aggregate classification (germline): Uncertain significance (1 of 4 stars; one submission).

Conditions:
Familial adenomatous polyposis 1 (FAP1). Also called: FAMILIAL ADENOMATOUS POLYPOSIS 1, ATTENUATED; POLYPOSIS, ADENOMATOUS INTESTINAL. Identifiers: MedGen C2713442, MONDO:0021056, OMIM 175100. Disease mechanism: loss of function.

gnomAD v4.1: 1 of 1,257,904 alleles (0.000079%); highest among the groups gnomAD compares: African/African-American, 0.0015%; no homozygotes.

Submission:

Labcorp Genetics (formerly Invitae), Labcorp
Classification: Uncertain significance for Familial adenomatous polyposis 1. Last evaluated: 2025-11-10. Review status: criteria provided, single submitter. Criteria: Invitae Variant Classification Sherloc (09022015). Collection method: clinical testing. Allele origin: germline.
Comment: This variant occurs in a non-coding region of the APC gene. It does not change the encoded amino acid sequence of the APC protein. This variant is not present in population databases (gnomAD no frequency). This variant has not been reported in the literature in individuals affected with APC-related conditions. Experimental studies and prediction algorithms are not available or were not evaluated, and the functional significance of this variant is currently unknown. In summary, the available evidence is currently insufficient to determine the role of this variant in disease. Therefore, it has been classified as a Variant of Uncertain Significance.